The following is an entry in ClinVar:

NM_007175.8(ERLIN2):c.207T>G (p.Asp69Glu)

Gene: ERLIN2 (ER lipid raft associated 2; plus strand). Cytogenetic location: 8p11.23.
Variant type: single nucleotide variant.
Coding change: c.207T>G on transcript NM_007175.8 (MANE Select); coding-DNA position 207, T replaced by G.
Protein change: p.Asp69Glu; replaces aspartic acid 69 with glutamic acid.
Molecular consequence: missense variant.
Genome position (GRCh38, 1-based): chr8:37,741,789, T>G. VCF-style: chr8-37741789-T-G. GRCh37 (hg19) VCF-style: chr8-37599307-T-G.
Other names: c.207T>G, p.Asp69Glu (NM_001003790.4, NM_001003791.3, NM_001362878.2 and 1 more transcripts); short protein forms D69E.
Identifiers: ClinVar variation 1992126 (VCV001992126.4), dbSNP rs2487294702, ClinGen allele CA370650628.

ClinVar aggregate classification (germline): Likely pathogenic (1 of 4 stars; one submission).

Conditions:
Spastic paraplegia. Identifiers: MedGen C0037772, HP:0001258.

Submission:

Labcorp Genetics (formerly Invitae), Labcorp
Classification: Likely pathogenic for Spastic paraplegia. Last evaluated: 2022-07-28. Review status: criteria provided, single submitter. Criteria: Invitae Variant Classification Sherloc (09022015). Collection method: clinical testing. Allele origin: germline.
Comment: This missense change has been observed in individual(s) with clinical features of hereditary spastic paraplegia (Invitae). In at least one individual the variant was observed to be de novo. This variant is not present in population databases (gnomAD no frequency). This sequence change replaces aspartic acid, which is acidic and polar, with glutamic acid, which is acidic and polar, at codon 69 of the ERLIN2 protein (p.Asp69Glu). Algorithms developed to predict the effect of missense changes on protein structure and function (SIFT, PolyPhen-2, Align-GVGD) all suggest that this variant is likely to be disruptive. In summary, the currently available evidence indicates that the variant is pathogenic, but additional data are needed to prove that conclusively. Therefore, this variant has been classified as Likely Pathogenic.